The following is an entry in ClinVar:

NM_015443.4(KANSL1):c.570G>A (p.Gly190=)

Gene: KANSL1 (KAT8 regulatory NSL complex subunit 1). Cytogenetic location: 17q21.31.
Variant type: single nucleotide variant.
Coding change: c.570G>A on transcript NM_015443.4 (MANE Select); coding-DNA position 570, G replaced by A.
Protein change: p.Gly190=; no amino-acid change (glycine 190 retained).
Molecular consequence: synonymous variant.
Genome position (GRCh38, 1-based): chr17:46,171,574, C>T on the plus strand (G>A on the coding strand, the complement: KANSL1 is on the minus strand). VCF-style: chr17-46171574-C-T. GRCh37 (hg19) VCF-style: chr17-44248940-C-T.
Other names: c.570G>A, p.Gly190= (NM_001193465.2, NM_001193466.2, NM_001379198.1).
Identifiers: ClinVar variation 696914 (VCV000696914.11), dbSNP rs1365962710, ClinGen allele CA500644769.

ClinVar aggregate classification (germline): Likely benign. Review status: criteria provided, multiple submitters, no conflicts (2 of 4 stars). 2 submissions from 2 submitters: Likely benign (2). Last evaluated 2024-01-19.

Conditions:
Koolen-de Vries syndrome (KDVS). Identifiers: Orphanet 96169, MedGen C1864871, MONDO:0012496, OMIM 610443.

gnomAD v4.1: 51 of 1,604,782 alleles (0.0032%); highest among the groups gnomAD compares: Non-Finnish European, 0.0043%; no homozygotes.

Submissions (2):

Labcorp Genetics (formerly Invitae), Labcorp
Classification: Likely benign for Koolen-de Vries syndrome. Last evaluated: 2024-01-19. Review status: criteria provided, single submitter. Criteria: Invitae Variant Classification Sherloc (09022015). Collection method: clinical testing. Allele origin: germline.

GeneDx
Classification: Likely benign. Last evaluated: 2019-09-27. Review status: criteria provided, single submitter. Criteria: GeneDx Variant Classification Process June 2021. Collection method: clinical testing. Allele origin: germline. Affected: yes.
Comment: See Variant Classification Assertion Criteria.